The following is an entry in ClinVar:

ClinVar aggregate classification (germline): Uncertain significance (1 of 4 stars; one submission).

Conditions:
Rhabdoid tumor predisposition syndrome 2 (RTPS2). Identifiers: Orphanet 231108, Orphanet 69077, MedGen C2750074, MONDO:0013224, OMIM 613325.

Submission:

Labcorp Genetics (formerly Invitae), Labcorp
Classification: Uncertain significance for Rhabdoid tumor predisposition syndrome 2. Last evaluated: 2025-08-13. Review status: criteria provided, single submitter. Criteria: Invitae Variant Classification Sherloc (09022015). Collection method: clinical testing. Allele origin: germline.
Comment: This variant, c.696_731dup, results in the insertion of 12 amino acid(s) of the SMARCA4 protein (p.Gly233_Pro244dup), but otherwise preserves the integrity of the reading frame. This variant is not present in population databases (gnomAD no frequency). This variant has not been reported in the literature in individuals affected with SMARCA4-related conditions. In summary, the available evidence is currently insufficient to determine the role of this variant in disease. Therefore, it has been classified as a Variant of Uncertain Significance.

NM_003072.5(SMARCA4):c.696_731dup (p.Pro244_Ala245insGlyProGlyProGlyProGlyProGlyProGlyPro)

Gene: SMARCA4 (SWI/SNF related BAF chromatin remodeling complex subunit ATPase 4; plus strand). Cytogenetic location: 19p13.2.
Variant type: Duplication.
Coding change: c.696_731dup on transcript NM_003072.5 (MANE Select); coding-DNA positions 696 to 731, 36 bases duplicated.
Protein change: p.Pro244_Ala245insGlyProGlyProGlyProGlyProGlyProGlyPro.
Molecular consequence: inframe insertion. On other transcripts: non-coding transcript variant (1).
Genome position (GRCh38, 1-based): chr19:10,986,529-10,986,564, 36 bases duplicated; duplicating any 36 consecutive bases within chr19:10,986,521-10,986,564 gives the same sequence; the c. name uses the placement nearest the transcript's 3' end. GRCh37 (hg19): chr19:11,097,205-11,097,240.
Other names: c.696_731dup, p.Pro244_Ala245insGlyProGlyProGlyProGlyProGlyProGlyPro (NM_001128844.3, NM_001128845.2, NM_001128846.2 and 6 more transcripts).
Identifiers: ClinVar variation 4708152 (VCV004708152.1).